The following is an entry in ClinVar:

NM_005045.4(RELN):c.2374G>C (p.Gly792Arg)

Gene: RELN (reelin; minus strand). Cytogenetic location: 7q22.1.
Variant type: single nucleotide variant.
Coding change: c.2374G>C on transcript NM_005045.4 (MANE Select); coding-DNA position 2374, G replaced by C.
Protein change: p.Gly792Arg; replaces glycine 792 with arginine.
Molecular consequence: missense variant.
Genome position (GRCh38, 1-based): chr7:103,635,516, C>G on the plus strand (G>C on the coding strand, the complement: RELN is on the minus strand). VCF-style: chr7-103635516-C-G. GRCh37 (hg19) VCF-style: chr7-103275963-C-G.
Other names: c.2374G>C, p.Gly792Arg (NM_173054.3); short protein forms G792R.
Identifiers: ClinVar variation 2113804 (VCV002113804.4), dbSNP rs2484800582, ClinGen allele CA368760137.

ClinVar aggregate classification (germline): Uncertain significance (1 of 4 stars; one submission).

Conditions:
Norman-Roberts syndrome (LIS2). Also called: Lissencephaly 2 (Norman-Roberts type). Identifiers: Orphanet 89844, MedGen C0796089, MONDO:0009760, OMIM 257320.
Familial temporal lobe epilepsy 7. Identifiers: Orphanet 101046, MedGen C4225327, MONDO:0014639, OMIM 616436.

gnomAD v4.1: 1 of 1,613,938 alleles (0.000062%); highest among the groups gnomAD compares: Non-Finnish European, 0.000085%; no homozygotes.

Submission:

Labcorp Genetics (formerly Invitae), Labcorp
Classification: Uncertain significance for Familial temporal lobe epilepsy 7; Norman-Roberts syndrome. Last evaluated: 2022-03-18. Review status: criteria provided, single submitter. Criteria: Invitae Variant Classification Sherloc (09022015). Collection method: clinical testing. Allele origin: germline.
Comment: This sequence change replaces glycine, which is neutral and non-polar, with arginine, which is basic and polar, at codon 792 of the RELN protein (p.Gly792Arg). This variant is not present in population databases (gnomAD no frequency). This variant has not been reported in the literature in individuals affected with RELN-related conditions. Algorithms developed to predict the effect of missense changes on protein structure and function are either unavailable or do not agree on the potential impact of this missense change (SIFT: "Deleterious"; PolyPhen-2: "Probably Damaging"; Align-GVGD: "Class C15"). In summary, the available evidence is currently insufficient to determine the role of this variant in disease. Therefore, it has been classified as a Variant of Uncertain Significance.